The following is an entry in ClinVar:

ClinVar aggregate classification (germline): Uncertain significance. Review status: criteria provided, multiple submitters, no conflicts (2 of 4 stars). 4 submissions from 4 submitters: Uncertain significance (4). Last evaluated 2023-06-23.

Conditions:
Cardiovascular phenotype. Identifiers: MedGen CN230736.
Hereditary cancer-predisposing syndrome. Also called: Neoplastic Syndromes, Hereditary; Hereditary Cancer Syndrome; Tumor predisposition; Hereditary neoplastic syndrome. Identifiers: Orphanet 140162, MedGen C0027672, MeSH D009386, MONDO:0015356.
Neurofibromatosis, type 1 (NF1). Also called: Peripheral type neurofibromatosis; VON RECKLINGHAUSEN DISEASE; NEUROFIBROMATOSIS, TYPE I, SOMATIC; Neurofibromatosis, type I. Identifiers: Orphanet 636, MedGen C0027831, MONDO:0018975, OMIM 162200. Disease mechanism: loss of function.

Submissions (4):

Ambry Genetics
Classification: Uncertain significance for Cardiovascular phenotype; Hereditary cancer-predisposing syndrome. Last evaluated: 2023-06-23. Review status: criteria provided, single submitter. Criteria: Ambry Variant Classification Scheme 2023. Collection method: clinical testing. Allele origin: germline.
Comment: The p.T2609A variant (also known as c.7825A>G), located in coding exon 53 of the NF1 gene, results from an A to G substitution at nucleotide position 7825. The threonine at codon 2609 is replaced by alanine, an amino acid with similar properties. This amino acid position is highly conserved in available vertebrate species. In addition, this alteration is predicted to be tolerated by in silico analysis. Since supporting evidence is limited at this time, the clinical significance of this alteration remains unclear.

Genome-Nilou Lab
Classification: Uncertain significance for Neurofibromatosis, type 1. Last evaluated: 2022-03-15. Review status: criteria provided, single submitter. Criteria: ACMG Guidelines, 2015. Collection method: clinical testing. Allele origin: germline. Affected: no.

Labcorp Genetics (formerly Invitae), Labcorp
Classification: Uncertain significance for Neurofibromatosis, type 1. Last evaluated: 2022-02-20. Review status: criteria provided, single submitter. Criteria: Invitae Variant Classification Sherloc (09022015). Collection method: clinical testing. Allele origin: germline.
Comment: In summary, the available evidence is currently insufficient to determine the role of this variant in disease. Therefore, it has been classified as a Variant of Uncertain Significance. Advanced modeling of protein sequence and biophysical properties (such as structural, functional, and spatial information, amino acid conservation, physicochemical variation, residue mobility, and thermodynamic stability) performed at Invitae indicates that this missense variant is not expected to disrupt NF1 protein function. ClinVar contains an entry for this variant (Variation ID: 582304). This variant has not been reported in the literature in individuals affected with NF1-related conditions. This variant is not present in population databases (gnomAD no frequency). This sequence change replaces threonine, which is neutral and polar, with alanine, which is neutral and non-polar, at codon 2609 of the NF1 protein (p.Thr2609Ala).

GeneDx
Classification: Uncertain significance. Last evaluated: 2020-03-11. Review status: criteria provided, single submitter. Criteria: GeneDx Variant Classification Process June 2021. Collection method: clinical testing. Allele origin: germline. Affected: yes.
Comment: Not observed in large population cohorts (Lek 2016); In silico analysis supports that this missense variant does not alter protein structure/function; Has not been previously published as pathogenic or benign to our knowledge

NM_001042492.3(NF1):c.7888A>G (p.Thr2630Ala)

Gene: NF1 (neurofibromin 1; plus strand). Cytogenetic location: 17q11.2.
Variant type: single nucleotide variant.
Coding change: c.7888A>G on transcript NM_001042492.3 (MANE Select); coding-DNA position 7888, A replaced by G.
Protein change: p.Thr2630Ala; replaces threonine 2630 with alanine.
Molecular consequence: missense variant.
Genome position (GRCh38, 1-based): chr17:31,357,287, A>G. VCF-style: chr17-31357287-A-G. GRCh37 (hg19) VCF-style: chr17-29684305-A-G.
Other names: c.7825A>G, p.Thr2609Ala (NM_000267.4); short protein forms T2609A, T2630A.
Identifiers: ClinVar variation 582304 (VCV000582304.9), dbSNP rs1567627155, ClinGen allele CA399203392.